The following is an entry in ClinVar:

NM_000535.7(PMS2):c.118A>G (p.Lys40Glu)

Gene: PMS2 (PMS1 homolog 2, mismatch repair system component; minus strand). Cytogenetic location: 7p22.1.
Variant type: single nucleotide variant.
Coding change: c.118A>G on transcript NM_000535.7 (MANE Select); coding-DNA position 118, A replaced by G.
Protein change: p.Lys40Glu; replaces lysine 40 with glutamic acid.
Molecular consequence: missense variant. On other transcripts: 5 prime UTR variant (8), non-coding transcript variant (1), intron variant (3).
Genome position (GRCh38, 1-based): chr7:6,005,937, T>C on the plus strand (A>G on the coding strand, the complement: PMS2 is on the minus strand). VCF-style: chr7-6005937-T-C. GRCh37 (hg19) VCF-style: chr7-6045568-T-C.
Other names: c.-288A>G (NM_001322003.2, NM_001322005.2, NM_001322009.2 and 1 more transcripts); c.118A>G, p.Lys40Glu (NM_001322006.2, NM_001322014.2); c.-98A>G (NM_001322007.2); c.-767A>G (NM_001322011.2, NM_001322012.2); c.-367A>G (NM_001322015.2); c.-52-1879A>G (NM_001322008.2); c.-242-1879A>G (NM_001322010.2, NM_001322004.2); short protein forms K40E.
Identifiers: ClinVar variation 185895 (VCV000185895.22), dbSNP rs786202542, ClinGen allele CA009301.

ClinVar aggregate classification (germline): Uncertain significance. Review status: criteria provided, multiple submitters, no conflicts (2 of 4 stars). 6 submissions from 6 submitters: Uncertain significance (6). Last evaluated 2025-12-06.

Conditions:
Hereditary nonpolyposis colorectal neoplasms. Identifiers: MedGen C0009405, MeSH D003123.
Hereditary cancer-predisposing syndrome. Also called: Tumor predisposition; Neoplastic Syndromes, Hereditary; Hereditary neoplastic syndrome; Hereditary Cancer Syndrome. Identifiers: Orphanet 140162, MedGen C0027672, MeSH D009386, MONDO:0015356.
Lynch syndrome 4 (LYNCH4). Also called: Colorectal cancer, hereditary nonpolyposis, type 4; Hereditary non-polyposis colorectal cancer, type 4. Identifiers: Orphanet 144, MedGen C1838333, MONDO:0013699, OMIM 614337. Disease mechanism: loss of function.

Allele frequency attached by ClinVar (database versions not stated): gnomAD exomes 0.00001; TOPMed 0.00001.
gnomAD v4.1: 3 of 1,610,878 alleles (0.00019%); highest among the groups gnomAD compares: Admixed American, 0.005%; no homozygotes.

Submissions (6):

Labcorp Genetics (formerly Invitae), Labcorp
Classification: Uncertain significance for Hereditary nonpolyposis colorectal neoplasms. Last evaluated: 2025-12-06. Review status: criteria provided, single submitter. Criteria: Invitae Variant Classification Sherloc (09022015). Collection method: clinical testing. Allele origin: germline.
Comment: This sequence change replaces lysine, which is basic and polar, with glutamic acid, which is acidic and polar, at codon 40 of the PMS2 protein (p.Lys40Glu). This variant is present in population databases (rs786202542, gnomAD 0.009%). This variant has not been reported in the literature in individuals affected with PMS2-related conditions. ClinVar contains an entry for this variant (Variation ID: 185895). Invitae Evidence Modeling incorporating data from in vitro experimental studies (internal data) indicates that this missense variant is not expected to disrupt PMS2 function with a negative predictive value of 95%. In summary, the available evidence is currently insufficient to determine the role of this variant in disease. Therefore, it has been classified as a Variant of Uncertain Significance.

3billion
Classification: Uncertain significance for Lynch syndrome 4. Last evaluated: 2025-02-05. Review status: criteria provided, single submitter. Criteria: ACMG Guidelines, 2015. Collection method: clinical testing. Allele origin: germline. Affected: yes.
Comment: The variant is observed at an extremely low frequency in the gnomAD v4.1.0 dataset (total allele frequency: <0.001%). Predicted Consequence/Location: Missense variant. The majority of the known disease-causing variants of this gene are variants expected to result in premature termination of the protein. In silico tool predictions suggest damaging effect of the variant on gene or gene product [REVEL: 0.91 (>=0.6, sensitivity 0.68 and specificity 0.92); 3Cnet: 0.90 (>=0.6, sensitivity 0.72 and precision 0.9)]. The variant has been reported as of uncertain significance (ClinVar ID: VCV000185895). Different missense changes at the same codon have been reported as of uncertain significance (ClinVar ID: VCV002125353, VCV000480374). Therefore, this variant is classified as VUS according to the recommendation of ACMG/AMP guideline.

Quest Diagnostics Nichols Institute San Juan Capistrano
Classification: Uncertain significance. Last evaluated: 2024-10-21. Review status: criteria provided, single submitter. Criteria: Quest Diagnostics criteria. Collection method: clinical testing. Allele origin: unknown.
Comment: The PMS2 c.118A>G (p.Lys40Glu) variant has not been reported in individuals with PMS2-related conditions in the published literature. The frequency of this variant in the general population, 0.000087 (3/34478 chromosomes (Genome Aggregation Database)), is uninformative in the assessment of its pathogenicity. Analysis of this variant using bioinformatics tools for the prediction of the effect of amino acid changes on protein structure and function yielded predictions that this variant is damaging. Based on the available information, we are unable to determine the clinical significance of this variant.

Ambry Genetics
Classification: Uncertain significance for Hereditary cancer-predisposing syndrome. Last evaluated: 2024-07-22. Review status: criteria provided, single submitter. Criteria: Ambry Variant Classification Scheme 2023. Collection method: clinical testing. Allele origin: germline.
Comment: The p.K40E variant (also known as c.118A>G), located in coding exon 2 of the PMS2 gene, results from an A to G substitution at nucleotide position 118. The lysine at codon 40 is replaced by glutamic acid, an amino acid with similar properties. This amino acid position is highly conserved in available vertebrate species. In addition, this alteration is predicted to be deleterious by in silico analysis. Based on the available evidence, the clinical significance of this variant remains unclear.

Blueprint Genetics
Classification: Uncertain significance. Last evaluated: 2021-02-23. Review status: criteria provided, single submitter. Criteria: ACMG Guidelines, 2015. Collection method: clinical testing. Allele origin: germline.

Color Diagnostics, LLC DBA Color Health
Classification: Uncertain significance for Hereditary cancer-predisposing syndrome. Last evaluated: 2018-08-21. Review status: criteria provided, single submitter. Criteria: ACMG Guidelines, 2015. Collection method: clinical testing. Allele origin: germline.